The following is an entry in ClinVar:

NM_003126.4(SPTA1):c.1834-7A>C

Gene: SPTA1 (spectrin alpha, erythrocytic 1; minus strand). Cytogenetic location: 1q23.1.
Variant type: single nucleotide variant.
Coding change: c.1834-7A>C on transcript NM_003126.4 (MANE Select); 7 bases into the intron before coding-DNA position 1834, A replaced by C.
Molecular consequence: intron variant.
Genome position (GRCh38, 1-based): chr1:158,668,069, T>G on the plus strand (A>C on the coding strand, the complement: SPTA1 is on the minus strand). VCF-style: chr1-158668069-T-G. GRCh37 (hg19) VCF-style: chr1-158637859-T-G.
Identifiers: ClinVar variation 3349957 (VCV003349957.2).
Genomic context (GRCh38, chr1:158,668,069, plus strand): 5'-CTCCTTTTCAAAGACTTGCTGCTTTTGAACCCTGCTCTTCAAGTTCTGTATGTCCTGAGA[T>G]AAGATGAAAAAAAAAAAAAAAACCATTACCTGAAGAATGAGGGACAGAAATTTTGAGAAT-3'

ClinVar aggregate classification (germline): Likely benign. Review status: criteria provided, single submitter (1 of 4 stars). 2 submissions from 2 submitters: Likely benign (1). 1 of the submissions does not count toward it. Last evaluated 2025-10-09.

Conditions:
SPTA1-related disorder. Also called: SPTA1-related disorders; SPTA1-related condition.

Submissions (2):

Labcorp Genetics (formerly Invitae), Labcorp
Classification: Likely benign. Last evaluated: 2025-10-09. Review status: criteria provided, single submitter. Criteria: Invitae Variant Classification Sherloc (09022015). Collection method: clinical testing. Allele origin: germline.

PreventionGenetics, part of Exact Sciences
Classification: Likely benign for SPTA1-related condition. Last evaluated: 2024-05-13. Review status: no assertion criteria provided. Collection method: clinical testing. Allele origin: germline. Not counted in ClinVar's aggregate classification.
Comment: This variant is classified as likely benign based on ACMG/AMP sequence variant interpretation guidelines (Richards et al. 2015 PMID: 25741868, with internal and published modifications).